The following is an entry in ClinVar:

NM_032575.3(GLIS2):c.571G>A (p.Asp191Asn)

Gene: GLIS2 (GLIS family zinc finger 2; plus strand). Cytogenetic location: 16p13.3.
Variant type: single nucleotide variant.
Coding change: c.571G>A on transcript NM_032575.3 (MANE Select); coding-DNA position 571, G replaced by A.
Protein change: p.Asp191Asn; replaces aspartic acid 191 with asparagine.
Molecular consequence: missense variant.
Genome position (GRCh38, 1-based): chr16:4,335,108, G>A. VCF-style: chr16-4335108-G-A. GRCh37 (hg19) VCF-style: chr16-4385109-G-A.
Other names: c.571G>A, p.Asp191Asn (NM_001318918.2); short protein forms D191N.
Identifiers: ClinVar variation 2635381 (VCV002635381.1), dbSNP rs2505610876, ClinGen allele CA394595754.

ClinVar aggregate classification (germline): Uncertain significance (1 of 4 stars; one submission).

Conditions:
GLIS2-related disorder. Also called: GLIS2-related condition.

Allele frequency attached by ClinVar (database versions not stated): gnomAD exomes 0.00001.

Submission:

PreventionGenetics, part of Exact Sciences
Classification: Uncertain significance for GLIS2-related condition. Last evaluated: 2023-04-16. Review status: criteria provided, single submitter. Criteria: ACMG Guidelines, 2015. Collection method: clinical testing. Allele origin: germline.
Comment: The GLIS2 c.571G>A variant is predicted to result in the amino acid substitution p.Asp191Asn. To our knowledge, this variant has not been reported in the literature or in a large population database, indicating this variant is rare. At this time, the clinical significance of this variant is uncertain due to the absence of conclusive functional and genetic evidence.